The following is an entry in ClinVar:

NM_000059.4(BRCA2):c.9558A>G (p.Ala3186=)

Gene: BRCA2 (BRCA2 DNA repair associated; plus strand). Cytogenetic location: 13q13.1.
Variant type: single nucleotide variant.
Coding change: c.9558A>G on transcript NM_000059.4 (MANE Select); coding-DNA position 9558, A replaced by G.
Protein change: p.Ala3186=; no amino-acid change (alanine 3186 retained).
Molecular consequence: synonymous variant.
Genome position (GRCh38, 1-based): chr13:32,396,954, A>G. VCF-style: chr13-32396954-A-G. GRCh37 (hg19) VCF-style: chr13-32971091-A-G.
Identifiers: ClinVar variation 230817 (VCV000230817.18), dbSNP rs876658792, ClinGen allele CA10579837.

ClinVar aggregate classification (germline): Likely benign. Review status: reviewed by expert panel (3 of 4 stars). 4 submissions from 4 submitters: Likely benign (1). 3 of the submissions do not count toward it. Last evaluated 2017-06-29.

Conditions:
Breast-ovarian cancer, familial, susceptibility to, 2 (BROVCA2). Also called: BRCA2 Hereditary Breast and Ovarian Cancer. Identifiers: Orphanet 145, MedGen C2675520, MONDO:0012933, OMIM 612555. Disease mechanism: loss of function.
Hereditary cancer-predisposing syndrome. Also called: Hereditary Cancer Syndrome; Neoplastic Syndromes, Hereditary; Tumor predisposition; Hereditary neoplastic syndrome. Identifiers: Orphanet 140162, MedGen C0027672, MeSH D009386, MONDO:0015356.
Hereditary breast ovarian cancer syndrome. Also called: Hereditary breast and/or ovarian cancer syndrome; BRCA1- and BRCA2-Associated Hereditary Breast and Ovarian Cancer; Hereditary breast and ovarian cancer syndrome (HBOC); Hereditary breast and ovarian cancer; Hereditary breast and ovarian cancer syndrome; Breast and ovarian cancer. Identifiers: Orphanet 145, MedGen C0677776, MeSH D061325, MONDO:0003582. Disease mechanism: loss of function.

Submissions (4):

Evidence-based Network for the Interpretation of Germline Mutant Alleles (ENIGMA)
Classification: Likely benign for Breast-ovarian cancer, familial, susceptibility to, 2. Last evaluated: 2017-06-29. Review status: reviewed by expert panel. Criteria: ENIGMA BRCA1/2 Classification Criteria (2017-06-29). Collection method: curation. Allele origin: germline.
Comment: Synonymous substitution variant, with low bioinformatic likelihood to result in a splicing aberration (Splicing prior probability 0.02).

Labcorp Genetics (formerly Invitae), Labcorp
Classification: Likely benign for Hereditary breast ovarian cancer syndrome. Last evaluated: 2025-02-13. Review status: criteria provided, single submitter. Criteria: Invitae Variant Classification Sherloc (09022015). Collection method: clinical testing. Allele origin: germline. Not counted in ClinVar's aggregate classification.

GeneDx
Classification: Likely benign. Last evaluated: 2018-04-30. Review status: criteria provided, single submitter. Criteria: GeneDx Variant Classification (06012015). Collection method: clinical testing. Allele origin: germline. Affected: yes. Not counted in ClinVar's aggregate classification.
Comment: This variant is considered likely benign or benign based on one or more of the following criteria: it is a conservative change, it occurs at a poorly conserved position in the protein, it is predicted to be benign by multiple in silico algorithms, and/or has population frequency not consistent with disease.

Ambry Genetics
Classification: Likely benign for Hereditary cancer-predisposing syndrome. Last evaluated: 2015-03-02. Review status: criteria provided, single submitter. Criteria: Ambry Variant Classification Scheme 2023. Collection method: clinical testing. Allele origin: germline. Not counted in ClinVar's aggregate classification.